The following is an entry in ClinVar:

ClinVar aggregate classification (germline): Pathogenic (1 of 4 stars; one submission).

Conditions:
Fanconi anemia complementation group C (FANCC). Also called: FANCONI PANCYTOPENIA, TYPE 3; FACC; Fanconi anemia, group C; FANCC-Related Fanconi Anemia. Identifiers: Orphanet 84, MedGen C3468041, MONDO:0009213, OMIM 227645.

Submission:

Myriad Genetics, Inc.
Classification: Pathogenic for Fanconi anemia complementation group C. Last evaluated: 2023-09-27. Review status: criteria provided, single submitter. Criteria: Myriad Autosomal Dominant, Autosomal Recessive and X-Linked Classification Criteria (2023). Collection method: clinical testing. Allele origin: unknown.
Comment: NM_000136.2(FANCC):c.777_778ins19(K260Dfs*7) is expected to be pathogenic in the context of Fanconi anemia, FANCC-related. This variant is predicted to lead to an abnormal or absent protein product due to the creation of a premature termination codon in FANCC, a gene where loss-of-function variants are known to be pathogenic. Please note: this variant was assessed in the context of healthy population screening.

NM_000136.3(FANCC):c.777_778insGATGTGTATAAGAGACAGT (p.Lys260delinsAspValTyrLysArgGlnTer)

Genes: AOPEP (aminopeptidase O (putative); plus strand), FANCC (FA complementation group C; minus strand). Cytogenetic location: 9q22.32.
Variant type: Insertion.
Coding change: c.777_778insGATGTGTATAAGAGACAGT on transcript NM_000136.3 (MANE Select); coding-DNA positions 777 to 778, GATGTGTATAAGAGACAGT inserted.
Protein change: p.Lys260delinsAspValTyrLysArgGlnTer.
Molecular consequence: nonsense.
Genome position: GRCh38 VCF-style: chr9-95135411-T-TACTGTCTCTTATACACATC. GRCh37 (hg19) VCF-style: chr9-97897693-T-TACTGTCTCTTATACACATC.
Other names: c.777_778insGATGTGTATAAGAGACAGT, p.Lys260delinsAspValTyrLysArgGlnTer (NM_001243743.2, NM_001243744.2).
Identifiers: ClinVar variation 5012257 (VCV005012257.1).